The following is an entry in ClinVar:

NM_000528.4(MAN2B1):c.2268-2A>C

Gene: MAN2B1 (mannosidase alpha class 2B member 1; minus strand). Cytogenetic location: 19p13.13.
Variant type: single nucleotide variant.
Coding change: c.2268-2A>C on transcript NM_000528.4 (MANE Select); the canonical splice acceptor site of the intron before coding-DNA position 2268, A replaced by C.
Molecular consequence: splice acceptor variant.
Genome position (GRCh38, 1-based): chr19:12,649,430, T>G on the plus strand (A>C on the coding strand, the complement: MAN2B1 is on the minus strand). VCF-style: chr19-12649430-T-G. GRCh37 (hg19) VCF-style: chr19-12760244-T-G.
Other names: c.2265-2A>C (NM_001173498.2); c.2271-2A>C (NM_001440570.1).
Identifiers: ClinVar variation 4081729 (VCV004081729.1).
Genomic context (GRCh38, chr19:12,649,430, plus strand): 5'-AGTAGTTTCCTGCCACGGGCTCCGTCTGGTTCAGTTTCCAGGTGGGTCGATAATCCCGCC[T>G]GGGGTTGGGGGTGAGCTGATCAGGCTTGGGATCTGGCTCCCCAACTCTTTTTTTTTTTTT-3'

ClinVar aggregate classification (germline): Likely pathogenic (1 of 4 stars; one submission).

Conditions:
Deficiency of alpha-mannosidase (MANSA). Also called: Mannosidosis, alpha-, types I and II; LYSOSOMAL ALPHA-D-MANNOSIDASE DEFICIENCY; Alpha-Mannosidosis. Identifiers: Orphanet 61, MedGen C0024748, MONDO:0009561, OMIM 248500.

gnomAD v4.1: 1 of 1,579,794 alleles (0.000063%); highest among the groups gnomAD compares: East Asian, 0.0023%; no homozygotes.

Submission:

Myriad Genetics, Inc.
Classification: Likely pathogenic for Deficiency of alpha-mannosidase. Last evaluated: 2025-05-06. Review status: criteria provided, single submitter. Criteria: Myriad Autosomal Dominant, Autosomal Recessive and X-Linked Classification Criteria (2023). Collection method: clinical testing. Allele origin: unknown.
Comment: NM_000528.3(MAN2B1):c.2268-2A>C is a variant in a canonical splice site classified as likely pathogenic in the context of alpha-mannosidosis. c.2268-2A>C has not been observed in cases with relevant disease. Relevant functional assessments of this variant are not available in the literature. c.2268-2A>C has not been observed in referenced population frequency databases. In summary, NM_000528.3(MAN2B1):c.2268-2A>C is a variant in a canonical splice site in a gene where loss of function is a known mechanism of disease and is predicted to disrupt protein function. Please note: this variant was assessed in the context of healthy population screening.